The following is an entry in ClinVar:

NM_002471.4(MYH6):c.3971A>C (p.Glu1324Ala)

Gene: MYH6 (myosin heavy chain 6; minus strand). Cytogenetic location: 14q11.2.
Variant type: single nucleotide variant.
Coding change: c.3971A>C on transcript NM_002471.4 (MANE Select); coding-DNA position 3971, A replaced by C.
Protein change: p.Glu1324Ala; replaces glutamic acid 1324 with alanine.
Molecular consequence: missense variant.
Genome position (GRCh38, 1-based): chr14:23,389,400, T>G on the plus strand (A>C on the coding strand, the complement: MYH6 is on the minus strand). VCF-style: chr14-23389400-T-G. GRCh37 (hg19) VCF-style: chr14-23858609-T-G.
Other names: short protein forms E1324A.
Identifiers: ClinVar variation 2452933 (VCV002452933.3), dbSNP rs2502155954, ClinGen allele CA389002471.

ClinVar aggregate classification (germline): Uncertain significance. Review status: criteria provided, multiple submitters, no conflicts (2 of 4 stars). 2 submissions from 2 submitters: Uncertain significance (2). Last evaluated 2024-11-26.

Conditions:
Cardiovascular phenotype. Identifiers: MedGen CN230736.

Submissions (2):

GeneDx
Classification: Uncertain significance. Last evaluated: 2024-11-26. Review status: criteria provided, single submitter. Criteria: GeneDx Variant Classification Process June 2021. Collection method: clinical testing. Allele origin: germline. Affected: yes.
Comment: Not observed at significant frequency in large population cohorts (gnomAD); In silico analysis supports that this missense variant has a deleterious effect on protein structure/function; Has not been previously published as pathogenic or benign to our knowledge

Ambry Genetics
Classification: Uncertain significance for Cardiovascular phenotype. Last evaluated: 2023-02-23. Review status: criteria provided, single submitter. Criteria: Ambry Variant Classification Scheme 2023. Collection method: clinical testing. Allele origin: germline.
Comment: The p.E1324A variant (also known as c.3971A>C), located in coding exon 26 of the MYH6 gene, results from an A to C substitution at nucleotide position 3971. The glutamic acid at codon 1324 is replaced by alanine, an amino acid with dissimilar properties. This amino acid position is conserved. In addition, this alteration is predicted to be deleterious by in silico analysis. Since supporting evidence is limited at this time, the clinical significance of this alteration remains unclear.